The following is an entry in ClinVar:

NM_031935.3(HMCN1):c.16208A>G (p.Asn5403Ser)

Gene: HMCN1 (hemicentin 1; plus strand). Cytogenetic location: 1q31.1.
Variant type: single nucleotide variant.
Coding change: c.16208A>G on transcript NM_031935.3 (MANE Select); coding-DNA position 16208, A replaced by G.
Protein change: p.Asn5403Ser; replaces asparagine 5403 with serine.
Molecular consequence: missense variant.
Genome position (GRCh38, 1-based): chr1:186,178,680, A>G. VCF-style: chr1-186178680-A-G. GRCh37 (hg19) VCF-style: chr1-186147812-A-G.
Other names: short protein forms N5403S.
Identifiers: ClinVar variation 1989213 (VCV001989213.4), dbSNP rs1652751939, ClinGen allele CA343938919.

ClinVar aggregate classification (germline): Uncertain significance (1 of 4 stars; one submission).

Allele frequency attached by ClinVar (database versions not stated): gnomAD exomes below 0.00001.
gnomAD v4.1: 7 of 1,614,158 alleles (0.00043%); highest among the groups gnomAD compares: Non-Finnish European, 0.00059%; no homozygotes.

Submission:

Labcorp Genetics (formerly Invitae), Labcorp
Classification: Uncertain significance. Last evaluated: 2022-03-31. Review status: criteria provided, single submitter. Criteria: Invitae Variant Classification Sherloc (09022015). Collection method: clinical testing. Allele origin: germline.
Comment: In summary, the available evidence is currently insufficient to determine the role of this variant in disease. Therefore, it has been classified as a Variant of Uncertain Significance. Algorithms developed to predict the effect of missense changes on protein structure and function (SIFT, PolyPhen-2, Align-GVGD) all suggest that this variant is likely to be tolerated. This variant has not been reported in the literature in individuals affected with HMCN1-related conditions. This variant is not present in population databases (gnomAD no frequency). This sequence change replaces asparagine, which is neutral and polar, with serine, which is neutral and polar, at codon 5403 of the HMCN1 protein (p.Asn5403Ser).